The following is an entry in ClinVar:

ClinVar aggregate classification (germline): Conflicting classifications of pathogenicity. Review status: criteria provided, conflicting classifications (1 of 4 stars). 3 submissions from 3 submitters: Uncertain significance (2); Likely benign (1). Last evaluated 2024-06-02.

Conditions:
Melnick-Needles syndrome (MNS). Also called: MELNICK-NEEDLES OSTEODYSPLASTY; Melnick-Needles Syndrome (FLNA-MNS); OSTEODYSPLASTY OF MELNICK AND NEEDLES. Identifiers: Orphanet 2484, MedGen C0025237, MONDO:0010650, OMIM 309350.
Frontometaphyseal dysplasia (FMD1). Identifiers: Orphanet 1826, MedGen C0265293, MONDO:0015942.
Heterotopia, periventricular, X-linked dominant (PVNH1). Also called: PERIVENTRICULAR NODULAR HETEROTOPIA 4; HETEROTOPIA, PERIVENTRICULAR, 1; PERIVENTRICULAR NODULAR HETEROTOPIA 1; X-linked periventricular heterotopia. Identifiers: Orphanet 2149, Orphanet 82004, MedGen C1848213, MONDO:0010233, OMIM 300049.
Oto-palato-digital syndrome, type II (OPD2). Also called: Otopalatodigital Syndrome Type 2 (FLNA-OPD2); FACIOPALATOOSSEOUS SYNDROME; OPD II SYNDROME; Otopalatodigital Syndrome, Type II. Identifiers: Orphanet 669, Orphanet 90652, MedGen C1844696, MONDO:0010571, OMIM 304120.

Allele frequency attached by ClinVar (database versions not stated): gnomAD exomes 0.00002 and 0.00005; ExAC 0.00006.
gnomAD v4.1: 26 of 1,211,683 alleles (0.0021%); highest among the groups gnomAD compares: South Asian, 0.042%; no homozygotes.

Submissions (3):

GeneDx
Classification: Uncertain significance. Last evaluated: 2024-06-02. Review status: criteria provided, single submitter. Criteria: GeneDx Variant Classification Process June 2021. Collection method: clinical testing. Allele origin: germline. Affected: yes.
Comment: In silico analysis supports that this missense variant has a deleterious effect on protein structure/function; Has not been previously published as pathogenic or benign to our knowledge

Labcorp Genetics (formerly Invitae), Labcorp
Classification: Likely benign for Oto-palato-digital syndrome, type II; Heterotopia, periventricular, X-linked dominant; Frontometaphyseal dysplasia; Melnick-Needles syndrome. Last evaluated: 2021-06-18. Review status: criteria provided, single submitter. Criteria: Invitae Variant Classification Sherloc (09022015). Collection method: clinical testing. Allele origin: germline.

Eurofins Ntd Llc (ga)
Classification: Uncertain significance. Last evaluated: 2017-06-29. Review status: criteria provided, single submitter. Criteria: EGL Classification Definitions 2015. Collection method: clinical testing. Allele origin: germline. Observed: 1 variant allele, 1 hemizygote.

NM_001110556.2(FLNA):c.7052C>G (p.Ala2351Gly)

Gene: FLNA (filamin A; minus strand). Cytogenetic location: Xq28.
Variant type: single nucleotide variant.
Coding change: c.7052C>G on transcript NM_001110556.2 (MANE Select); coding-DNA position 7052, C replaced by G.
Protein change: p.Ala2351Gly; replaces alanine 2351 with glycine.
Molecular consequence: missense variant.
Genome position (GRCh38, 1-based): chrX:154,351,013, G>C on the plus strand (C>G on the coding strand, the complement: FLNA is on the minus strand). VCF-style: chrX-154351013-G-C. GRCh37 (hg19) VCF-style: chrX-153579381-G-C.
Other names: c.7028C>G (NM_001456.3); c.7028C>G, p.Ala2343Gly (NM_001456.4); short protein forms A2343G, A2351G.
Identifiers: ClinVar variation 502625 (VCV000502625.13), dbSNP rs782583650, ClinGen allele CA10559962.